The following is an entry in ClinVar:

NM_016589.4(TIMMDC1):c.106GAG[1] (p.Glu37del)

Gene: TIMMDC1 (translocase of inner mitochondrial membrane domain containing 1; plus strand). Cytogenetic location: 3q13.33.
Variant type: Microsatellite.
Coding change: c.106GAG[1] on transcript NM_016589.4 (MANE Select); one copy of the 3-base unit GAG starting at c.106; the reference has two copies in a row; one copy, 3 bases deleted.
Protein change: p.Glu37del; deletes glutamic acid 37.
Molecular consequence: inframe deletion.
Genome position (GRCh38, 1-based): chr3:119,498,842-119,498,844, GAG deleted; deleting any 3 consecutive bases within chr3:119,498,839-119,498,844 gives the same sequence; the position shown is the placement nearest the transcript's 3' end. VCF-style (leftmost placement, unchanged base first): chr3-119498838-TGAG-T. GRCh37 (hg19) VCF-style: chr3-119217685-TGAG-T.
Other names: short protein forms E37del.
Identifiers: ClinVar variation 1959794 (VCV001959794.5), dbSNP rs749791312, ClinGen allele CA2555114.

ClinVar aggregate classification (germline): Uncertain significance (1 of 4 stars; one submission).

Submission:

Labcorp Genetics (formerly Invitae), Labcorp
Classification: Uncertain significance. Last evaluated: 2025-05-05. Review status: criteria provided, single submitter. Criteria: Invitae Variant Classification Sherloc (09022015). Collection method: clinical testing. Allele origin: germline.
Comment: This variant, c.109_111del, results in the deletion of 1 amino acid(s) of the TIMMDC1 protein (p.Glu37del), but otherwise preserves the integrity of the reading frame. This variant is present in population databases (rs749791312, gnomAD 0.03%). This variant has not been reported in the literature in individuals affected with TIMMDC1-related conditions. Experimental studies and prediction algorithms are not available or were not evaluated, and the functional significance of this variant is currently unknown. In summary, the available evidence is currently insufficient to determine the role of this variant in disease. Therefore, it has been classified as a Variant of Uncertain Significance.